The following is an entry in ClinVar:

ClinVar aggregate classification (germline): Likely pathogenic (1 of 4 stars; one submission).

Conditions:
Autosomal recessive limb-girdle muscular dystrophy type 2A (LGMDR1). Also called: Calpainopathy; Muscular dystrophy, limb-girdle, type 2A, Amish; LEYDEN-MOEBIUS MUSCULAR DYSTROPHY; MUSCULAR DYSTROPHY, PELVOFEMORAL; Limb-girdle muscular dystrophy, type 2A. Identifiers: Orphanet 267, MedGen C1869123, MONDO:0009675, OMIM 253600. Disease mechanism: loss of function.

Submission:

First Genomix Gene Laboratory, Genetic Diagnostics Department
Classification: Likely pathogenic for Autosomal recessive limb-girdle muscular dystrophy type 2A. Last evaluated: 2025-01-08. Review status: criteria provided, single submitter. Criteria: ACMG Guidelines, 2015. Collection method: clinical testing. Allele origin: germline. Inheritance: Autosomal recessive inheritance. Affected: no. Observed: 1 variant allele.

NM_000070.3(CAPN3):c.1301A>T (p.Asn434Ile)

Gene: CAPN3 (calpain 3; plus strand). Cytogenetic location: 15q15.1.
Variant type: single nucleotide variant.
Coding change: c.1301A>T on transcript NM_000070.3 (MANE Select); coding-DNA position 1301, A replaced by T.
Protein change: p.Asn434Ile; replaces asparagine 434 with isoleucine.
Molecular consequence: missense variant.
Genome position (GRCh38, 1-based): chr15:42,399,599, A>T. VCF-style: chr15-42399599-A-T. GRCh37 (hg19) VCF-style: chr15-42691797-A-T.
Other names: c.1301A>T, p.Asn434Ile (NM_024344.2); c.1157A>T, p.Asn386Ile (NM_173087.2); short protein forms N386I, N434I.
Identifiers: ClinVar variation 4845738 (VCV004845738.1).
Genomic context (GRCh38, chr15:42,399,599, plus strand): 5'-GCAACCTCACGGCCGATGCTCTGCAGTCTGACAAGCTTCAGACCTGGACAGTGTCTGTGA[A>T]CGAGGGCCGCTGGGTACGGGGTTGCTCTGCCGGAGGCTGCCGCAACTTCCCAGGTGGGAG-3'
Protein context (NP_000061.1, residues 424-444): DKLQTWTVSV[Asn434Ile]EGRWVRGCSA